The following is an entry in ClinVar:

ClinVar aggregate classification (germline): Likely pathogenic (1 of 4 stars; one submission).

Submission:

GeneDx
Classification: Likely pathogenic. Last evaluated: 2019-12-27. Review status: criteria provided, single submitter. Criteria: GeneDx Variant Classification Process June 2021. Collection method: clinical testing. Allele origin: germline. Affected: yes.
Comment: Not observed in large population cohorts (Lek et al., 2016); In silico analysis, which includes protein predictors and evolutionary conservation, supports a deleterious effect; This variant is associated with the following publications: (PMID: 17061023, 16928994)

NM_003242.6(TGFBR2):c.1279C>T (p.Pro427Ser)

Gene: TGFBR2 (transforming growth factor beta receptor 2; plus strand). Cytogenetic location: 3p24.1.
Variant type: single nucleotide variant.
Coding change: c.1279C>T on transcript NM_003242.6 (MANE Select); coding-DNA position 1279, C replaced by T.
Protein change: p.Pro427Ser; replaces proline 427 with serine.
Molecular consequence: missense variant.
Genome position (GRCh38, 1-based): chr3:30,674,129, C>T. VCF-style: chr3-30674129-C-T. GRCh37 (hg19) VCF-style: chr3-30715621-C-T.
Other names: p.P427S:CCA>TCA; c.1354C>T, p.Pro452Ser (NM_001024847.3); c.1462C>T, p.Pro488Ser (NM_001407126.1); c.1387C>T, p.Pro463Ser (NM_001407127.1); c.1306C>T, p.Pro436Ser (NM_001407128.1); c.1282C>T, p.Pro428Ser (NM_001407129.1); c.1279C>T, p.Pro427Ser (NM_001407130.1); c.1174C>T, p.Pro392Ser (NM_001407132.1, NM_001407133.1, NM_001407134.1 and 2 more transcripts); and 2 more; short protein forms P427S, P452S, P332S, P436S, P392S, P463S, P488S, P307S.
Identifiers: ClinVar variation 213931 (VCV000213931.4), dbSNP rs863223850, ClinGen allele CA319801.
Genomic context (GRCh38, chr3:30,674,129, plus strand): 5'-TTAAATGATGGGCCTCACTGTCTGTTTTTGCTATAGGTGGGAACTGCAAGATACATGGCT[C>T]CAGAAGTCCTAGAATCCAGGATGAATTTGGAGAATGTTGAGTCCTTCAAGCAGACCGATG-3'
Protein context (NP_003233.4, residues 417-437): GQVGTARYMA[Pro427Ser]EVLESRMNLE